The following is an entry in ClinVar:

NM_020738.4(KIDINS220):c.3300C>T (p.Ser1100=)

Gene: KIDINS220 (kinase D interacting substrate 220; minus strand). Cytogenetic location: 2p25.1.
Variant type: single nucleotide variant.
Coding change: c.3300C>T on transcript NM_020738.4 (MANE Select); coding-DNA position 3300, C replaced by T.
Protein change: p.Ser1100=; no amino-acid change (serine 1100 retained).
Molecular consequence: synonymous variant. On other transcripts: non-coding transcript variant (2).
Genome position (GRCh38, 1-based): chr2:8,750,226, G>A on the plus strand (C>T on the coding strand, the complement: KIDINS220 is on the minus strand). VCF-style: chr2-8750226-G-A. GRCh37 (hg19) VCF-style: chr2-8890356-G-A.
Other names: c.3303C>T, p.Ser1101= (NM_001348729.2, NM_001348731.2, NM_001348734.2 and 2 more transcripts); c.3300C>T, p.Ser1100= (NM_001348732.2, NM_001348735.2, NM_001348738.2 and 3 more transcripts); c.3174C>T, p.Ser1058= (NM_001348736.2); c.3300C>T (NM_020738.2).
Identifiers: ClinVar variation 3004620 (VCV003004620.4), dbSNP rs760553875, ClinGen allele CA1519708.

ClinVar aggregate classification (germline): Likely benign. Review status: criteria provided, single submitter (1 of 4 stars). 2 submissions from 2 submitters: Likely benign (1). 1 of the submissions does not count toward it. Last evaluated 2023-08-07.

Conditions:
KIDINS220-related disorder. Also called: KIDINS220-related condition.

Allele frequency attached by ClinVar (database versions not stated): gnomAD 0.00003; TOPMed 0.00003; ExAC 0.00009.
gnomAD v4.1: 51 of 1,614,044 alleles (0.0032%); highest among the groups gnomAD compares: East Asian, 0.045%; no homozygotes.

Submissions (2):

Labcorp Genetics (formerly Invitae), Labcorp
Classification: Likely benign. Last evaluated: 2023-08-07. Review status: criteria provided, single submitter. Criteria: Invitae Variant Classification Sherloc (09022015). Collection method: clinical testing. Allele origin: germline.

PreventionGenetics, part of Exact Sciences
Classification: Likely benign for KIDINS220-related condition. Last evaluated: 2024-09-23. Review status: no assertion criteria provided. Collection method: clinical testing. Allele origin: germline. Not counted in ClinVar's aggregate classification.
Comment: This variant is classified as likely benign based on ACMG/AMP sequence variant interpretation guidelines (Richards et al. 2015 PMID: 25741868, with internal and published modifications).